The following is an entry in ClinVar:

ClinVar aggregate classification (germline): Likely benign. Review status: criteria provided, multiple submitters, no conflicts (2 of 4 stars). 4 submissions from 4 submitters: Likely benign (3). 1 of the submissions does not count toward it. Last evaluated 2025-10-28.

Conditions:
Familial cancer of breast. Also called: hereditary breast carcinoma; BREAST CANCER, FAMILIAL; Hereditary breast cancer. Identifiers: Orphanet 227535, MedGen C0346153, MONDO:0016419, OMIM 114480. Disease mechanism: loss of function.
Ataxia-telangiectasia syndrome (AT). Also called: Ataxia telangiectasia (A-T); LOUIS-BAR SYNDROME; Cerebello-oculocutaneous telangiectasia; Immunodeficiency with ataxia telangiectasia; ATAXIA-TELANGIECTASIA, COMPLEMENTATION GROUP A; ATAXIA-TELANGIECTASIA, FRESNO VARIANT. Identifiers: Orphanet 100, MedGen C0004135, MONDO:0008840, OMIM 208900.

Allele frequency attached by ClinVar (database versions not stated): gnomAD exomes below 0.00001; TOPMed 0.00001.
gnomAD v4.1: 1 of 1,612,932 alleles (0.000062%); highest among the groups gnomAD compares: Admixed American, 0.0017%; no homozygotes.

Submissions (4):

Labcorp Genetics (formerly Invitae), Labcorp
Classification: Likely benign for Ataxia-telangiectasia syndrome. Last evaluated: 2025-10-28. Review status: criteria provided, single submitter. Criteria: Invitae Variant Classification Sherloc (09022015). Collection method: clinical testing. Allele origin: germline.

Myriad Genetics, Inc.
Classification: Likely benign for Familial cancer of breast. Last evaluated: 2024-05-23. Review status: criteria provided, single submitter. Criteria: Myriad Autosomal Dominant, Autosomal Recessive and X-Linked Classification Criteria (2023). Collection method: clinical testing. Allele origin: unknown.
Comment: This variant is considered likely benign. This variant is intronic and is not expected to impact mRNA splicing.

GeneDx
Classification: Likely benign. Last evaluated: 2015-11-20. Review status: criteria provided, single submitter. Criteria: GeneDx Variant Classification (06012015). Collection method: clinical testing. Allele origin: germline. Affected: yes.
Comment: This variant is considered likely benign or benign based on one or more of the following criteria: it is a conservative change, it occurs at a poorly conserved position in the protein, it is predicted to be benign by multiple in silico algorithms, and/or has population frequency not consistent with disease.

Counsyl
Classification: Likely benign for Ataxia-telangiectasia syndrome. Last evaluated: 2017-05-09. Review status: no assertion criteria provided. Collection method: clinical testing. Allele origin: unknown. Not counted in ClinVar's aggregate classification.

NM_000051.4(ATM):c.5497-9A>G

Gene: ATM (ATM serine/threonine kinase; plus strand). Cytogenetic location: 11q22.3.
Variant type: single nucleotide variant.
Coding change: c.5497-9A>G on transcript NM_000051.4 (MANE Select); 9 bases into the intron before coding-DNA position 5497, A replaced by G.
Molecular consequence: intron variant.
Genome position (GRCh38, 1-based): chr11:108,304,666, A>G. VCF-style: chr11-108304666-A-G. GRCh37 (hg19) VCF-style: chr11-108175393-A-G.
Other names: c.5497-9A>G (NM_001351834.2).
Identifiers: ClinVar variation 236740 (VCV000236740.13), dbSNP rs878853524, ClinGen allele CA10582831.
Genomic context (GRCh38, chr11:108,304,666, plus strand): 5'-TTAAGTAAAATGTATTAATTTTACTCATTTTTACTCAAACTATTGGGTGGATTTGTTTGT[A>G]TATTCTAGGTGAAAACTGACTTTTGTCAGACTGTACTTCCATACTTGATTCATGATATTT-3'